The following is an entry in ClinVar:

ClinVar aggregate classification (germline): Likely pathogenic (1 of 4 stars; one submission).

Conditions:
Early-onset coronary artery disease. Identifiers: MedGen C4229399.

Allele frequency attached by ClinVar (database versions not stated): TOPMed 0.00001 and below 0.00001.

Submission:

Women's Health and Genetics/Laboratory Corporation of America, LabCorp
Classification: Likely pathogenic for Early-onset coronary artery disease. Last evaluated: 2020-06-29. Review status: criteria provided, single submitter. Criteria: LabCorp Variant Classification Summary - May 2015. Collection method: clinical testing. Allele origin: germline.
Comment: Variant summary: ABCA1 c.3215G>A (p.Trp1072X) results in a premature termination codon, predicted to cause a truncation of the encoded protein or absence of the protein due to nonsense mediated decay, which are commonly known mechanisms for disease. The variant was absent in 251464 control chromosomes (gnomAD). To our knowledge, no occurrence of c.3215G>A in individuals affected with Early Onset Coronary Artery Disease and no experimental evidence demonstrating its impact on protein function have been reported. No clinical diagnostic laboratories have submitted clinical-significance assessments for this variant to ClinVar after 2014. Based on the evidence outlined above, the variant was classified as likely pathogenic.

NM_005502.4(ABCA1):c.3215G>A (p.Trp1072Ter)

Gene: ABCA1 (ATP binding cassette subfamily A member 1; minus strand). Cytogenetic location: 9q31.1.
Variant type: single nucleotide variant.
Coding change: c.3215G>A on transcript NM_005502.4 (MANE Select); coding-DNA position 3215, G replaced by A.
Protein change: p.Trp1072Ter; replaces tryptophan 1072 with a stop codon.
Molecular consequence: nonsense.
Genome position (GRCh38, 1-based): chr9:104,819,612, C>T on the plus strand (G>A on the coding strand, the complement: ABCA1 is on the minus strand). VCF-style: chr9-104819612-C-T. GRCh37 (hg19) VCF-style: chr9-107581893-C-T.
Other names: short protein forms W1072*.
Identifiers: ClinVar variation 933215 (VCV000933215.1), dbSNP rs1450125094, ClinGen allele CA374319225.